The following is an entry in ClinVar:

ClinVar aggregate classification (germline): Benign. Review status: criteria provided, multiple submitters, no conflicts (2 of 4 stars). 2 submissions from 2 submitters: Benign (2). Last evaluated 2018-01-13.

Conditions:
Growth delay due to insulin-like growth factor type 1 deficiency (IGF1D). Also called: GROWTH RETARDATION WITH SENSORINEURAL DEAFNESS AND MENTAL RETARDATION; IGF1 DEFICIENCY. Identifiers: Orphanet 73272, MedGen C1837475, MONDO:0012110, OMIM 608747.

Allele frequency attached by ClinVar (database versions not stated): 1000 Genomes Project 0.00659; 1000 Genomes Project 30x 0.00671; TOPMed 0.01445; gnomAD exomes 0.02103.
gnomAD v4.1: 2,457 of 152,548 alleles (1.6%); highest among the groups gnomAD compares: Non-Finnish European, 2.4%; 21 homozygotes.

Submissions (2):

Illumina Laboratory Services, Illumina
Classification: Benign for Growth delay due to insulin-like growth factor type 1 deficiency. Last evaluated: 2018-01-13. Review status: criteria provided, single submitter. Criteria: ICSL Variant Classification Criteria 13 December 2019. Collection method: clinical testing. Allele origin: germline.
Comment: This variant was observed in the ICSL laboratory as part of a predisposition screen in an ostensibly healthy population. It had not been previously curated by ICSL or reported in the Human Gene Mutation Database (HGMD: prior to June 1st, 2018), and was therefore a candidate for classification through an automated scoring system. Utilizing variant allele frequency, disease prevalence and penetrance estimates, and inheritance mode, an automated score was calculated to assess if this variant is too frequent to cause the disease. Based on the score and internal cut-off values, a variant classified as benign is not then subjected to further curation. The score for this variant resulted in a classification of benign for this disease.

Breakthrough Genomics
Classification: Benign. Review status: criteria provided, single submitter. Criteria: ACMG Guidelines, 2015. Collection method: not provided. Allele origin: germline. Inheritance: Autosomal recessive inheritance. Affected: yes.

NM_000618.5(IGF1):c.*3226C>G

Genes: IGF1 (insulin like growth factor 1; minus strand), LINC02456 (long intergenic non-protein coding RNA 2456; plus strand). Cytogenetic location: 12q23.2.
Variant type: single nucleotide variant.
Coding change: c.*3226C>G on transcript NM_000618.5 (MANE Select); 3226 bases downstream of the stop codon, C replaced by G.
Molecular consequence: 3 prime UTR variant.
Genome position (GRCh38, 1-based): chr12:102,399,281, G>C on the plus strand (C>G on the coding strand, the complement: IGF1 is on the minus strand). VCF-style: chr12-102399281-G-C. GRCh37 (hg19) VCF-style: chr12-102793059-G-C.
Other names: c.*3260C>G (NM_001111283.3); c.*3226C>G (NM_001111284.2).
Identifiers: ClinVar variation 306877 (VCV000306877.6), dbSNP rs55650342, ClinGen allele CA10631937.